The following is an entry in ClinVar:

NM_015267.4(CUX2):c.167T>G (p.Val56Gly)

Gene: CUX2 (cut like homeobox 2; plus strand). Cytogenetic location: 12q24.11.
Variant type: single nucleotide variant.
Coding change: c.167T>G on transcript NM_015267.4 (MANE Select); coding-DNA position 167, T replaced by G.
Protein change: p.Val56Gly; replaces valine 56 with glycine.
Molecular consequence: missense variant. On other transcripts: 5 prime UTR variant (1).
Genome position (GRCh38, 1-based): chr12:111,214,303, T>G. VCF-style: chr12-111214303-T-G. GRCh37 (hg19) VCF-style: chr12-111652107-T-G.
Other names: c.-20T>G (NM_001370598.1); short protein forms V56G.
Identifiers: ClinVar variation 4686492 (VCV004686492.1).

ClinVar aggregate classification (germline): Uncertain significance (1 of 4 stars; one submission).

gnomAD v4.1: 1 of 1,569,838 alleles (0.000064%); highest among the groups gnomAD compares: Non-Finnish European, 0.000087%; no homozygotes.

Submission:

GeneDx
Classification: Uncertain significance. Last evaluated: 2025-07-18. Review status: criteria provided, single submitter. Criteria: GeneDx Variant Classification Process June 2021. Collection method: clinical testing. Allele origin: germline. Affected: yes.
Comment: Not observed at significant frequency in large population cohorts (gnomAD); In silico analysis supports that this missense variant has a deleterious effect on protein structure/function; Has not been previously published as pathogenic or benign to our knowledge